The following is an entry in ClinVar:

ClinVar aggregate classification (germline): Pathogenic (1 of 4 stars; one submission).

Conditions:
Familial cancer of breast. Also called: BREAST CANCER, FAMILIAL; Hereditary breast cancer; hereditary breast carcinoma. Identifiers: Orphanet 227535, MedGen C0346153, MONDO:0016419, OMIM 114480. Disease mechanism: loss of function.

Submission:

GeneDx
Classification: Pathogenic for Familial cancer of breast. Last evaluated: 2014-10-01. Review status: criteria provided, single submitter. Criteria: GeneDx Variant Classification (06012015). Collection method: clinical testing. Allele origin: germline. Affected: yes.
Comment: This insertion of one nucleotide in BRCA1 is denoted c.3764_3765insA (a.k.a c.3764dupA) at the cDNA level and p.Asn1255LysfsX12 (N1255KfsX12) at the protein level. The normal sequence, with the bases that are inserted in brackets, is AGAA{insA}CACA. The insertion causes a frameshift, which changes an Asparagine to a Lysine at codon 1255 in exon 10, and creates a premature stop codon at position 12 of the new reading frame. This mutation is predicted to cause loss of normal protein function through either protein truncation or nonsense-mediated mRNA decay. BRCA1 c.3764_3765insA (a.k.a c.3764dupA), previously denoted 3883insA, has been reported in association with hereditary breast cancer in an African American family (Gao 1997). We consider this mutation to be pathogenic.The variant is found in HEREDICANCER panel(s).

NM_007294.3:c.3764insA

Gene: BRCA1 (BRCA1 DNA repair associated; minus strand). Cytogenetic location: 17q21.31.
Variant type: Insertion.
Identifiers: ClinVar variation 182114 (VCV000182114.2).